The following is an entry in ClinVar:

NM_000059.4(BRCA2):c.4009G>T (p.Asp1337Tyr)

Gene: BRCA2 (BRCA2 DNA repair associated; plus strand). Cytogenetic location: 13q13.1.
Variant type: single nucleotide variant.
Coding change: c.4009G>T on transcript NM_000059.4 (MANE Select); coding-DNA position 4009, G replaced by T.
Protein change: p.Asp1337Tyr; replaces aspartic acid 1337 with tyrosine.
Molecular consequence: missense variant.
Genome position (GRCh38, 1-based): chr13:32,338,364, G>T. VCF-style: chr13-32338364-G-T. GRCh37 (hg19) VCF-style: chr13-32912501-G-T.
Other names: short protein forms D1337Y.
Identifiers: ClinVar variation 1383274 (VCV001383274.7), dbSNP rs2137502029, ClinGen allele CA387779012.

ClinVar aggregate classification (germline): Conflicting classifications of pathogenicity. Review status: criteria provided, conflicting classifications (1 of 4 stars). 2 submissions from 2 submitters: Uncertain significance (1); Likely benign (1). Last evaluated 2023-03-23.

Conditions:
Hereditary cancer-predisposing syndrome. Also called: Tumor predisposition; Neoplastic Syndromes, Hereditary; Hereditary Cancer Syndrome; Hereditary neoplastic syndrome. Identifiers: Orphanet 140162, MedGen C0027672, MeSH D009386, MONDO:0015356.
Hereditary breast ovarian cancer syndrome. Also called: Hereditary breast and ovarian cancer syndrome (HBOC); Breast and ovarian cancer; BRCA1- and BRCA2-Associated Hereditary Breast and Ovarian Cancer; Hereditary breast and ovarian cancer; Hereditary breast and ovarian cancer syndrome; Hereditary breast and/or ovarian cancer syndrome. Identifiers: Orphanet 145, MedGen C0677776, MeSH D061325, MONDO:0003582. Disease mechanism: loss of function.

Allele frequency attached by ClinVar (database versions not stated): gnomAD exomes below 0.00001.
gnomAD v4.1: 2 of 1,586,932 alleles (0.00013%); highest among the groups gnomAD compares: South Asian, 0.0023%; no homozygotes.

Submissions (2):

University of Washington Department of Laboratory Medicine, University of Washington
Classification: Likely benign for Hereditary cancer-predisposing syndrome. Last evaluated: 2023-03-23. Review status: criteria provided, single submitter. Criteria: Dines et al. (Genet Med. 2020). Collection method: curation. Allele origin: germline.
Comment: Missense variant in a coldspot region where missense variants are very unlikely to be pathogenic (PMID:31911673).

BRCA2 exon 11 coldspot. Reclassification based on statistical prior probability.

Labcorp Genetics (formerly Invitae), Labcorp
Classification: Uncertain significance for Hereditary breast ovarian cancer syndrome. Last evaluated: 2021-12-11. Review status: criteria provided, single submitter. Criteria: Invitae Variant Classification Sherloc (09022015). Collection method: clinical testing. Allele origin: germline.
Comment: This sequence change replaces aspartic acid, which is acidic and polar, with tyrosine, which is neutral and polar, at codon 1337 of the BRCA2 protein (p.Asp1337Tyr). This variant is not present in population databases (gnomAD no frequency). This variant has not been reported in the literature in individuals affected with BRCA2-related conditions. Advanced modeling of protein sequence and biophysical properties (such as structural, functional, and spatial information, amino acid conservation, physicochemical variation, residue mobility, and thermodynamic stability) performed at Invitae indicates that this missense variant is not expected to disrupt BRCA2 protein function. In summary, the available evidence is currently insufficient to determine the role of this variant in disease. Therefore, it has been classified as a Variant of Uncertain Significance.